The following is an entry in ClinVar:

NM_144999.4(LRRC45):c.638C>T (p.Pro213Leu)

Gene: LRRC45 (leucine rich repeat containing 45; plus strand). Cytogenetic location: 17q25.3.
Variant type: single nucleotide variant.
Coding change: c.638C>T on transcript NM_144999.4 (MANE Select); coding-DNA position 638, C replaced by T.
Protein change: p.Pro213Leu; replaces proline 213 with leucine.
Molecular consequence: missense variant.
Genome position (GRCh38, 1-based): chr17:82,025,484, C>T. VCF-style: chr17-82025484-C-T. GRCh37 (hg19) VCF-style: chr17-79983360-C-T.
Other names: short protein forms P213L.
Identifiers: ClinVar variation 4996052 (VCV004996052.1).

ClinVar aggregate classification (germline): Uncertain significance (1 of 4 stars; one submission).

Conditions:
LRRC45-related disorder. Also called: LRRC45-related condition.

gnomAD v4.1: 1 of 1,607,960 alleles (0.000062%); highest among the groups gnomAD compares: Non-Finnish European, 0.000085%; no homozygotes.

Submission:

PreventionGenetics, part of Exact Sciences
Classification: Uncertain significance for LRRC45-related condition. Last evaluated: 2025-12-31. Review status: criteria provided, single submitter. Criteria: ACMG Guidelines, 2015. Collection method: clinical testing. Allele origin: germline.
Comment: The LRRC45 c.638C>T variant is predicted to result in the amino acid substitution p.Pro213Leu. To our knowledge, this variant has not been reported in the literature. This variant is reported in 0.00090% of alleles in individuals of European (Non-Finnish) descent in gnomAD. At this time, the clinical significance of this variant is uncertain due to the absence of conclusive functional and genetic evidence.